The following continues an entry in ClinVar:

NM_000127.3(EXT1):c.1019G>A (p.Arg340His)

Gene: EXT1. ClinVar aggregate classification (germline): Pathogenic. Pathogenic (13).

Submissions 10 to 15 of 15:

GeneDx
Classification: Pathogenic. Last evaluated: 2021-10-27. Review status: criteria provided, single submitter. Criteria: GeneDx Variant Classification Process June 2021. Collection method: clinical testing. Allele origin: germline. Affected: yes.
Comment: Not observed at a significant frequency in large population cohorts (gnomAD); In silico analysis supports that this missense variant has a deleterious effect on protein structure/function; This variant is associated with the following publications: (PMID: 11391482, 10713884, 26239617, 24532482, 19810120, 23439489, 9521425, 11170095, 26961984, 25468659, 33414810, 30334991, 30806661, 34006472, 33552269)

Institute for Clinical Genetics, University Hospital TU Dresden, University Hospital TU Dresden
Classification: Pathogenic. Last evaluated: 2021-06-22. Review status: criteria provided, single submitter. Criteria: ACMG Guidelines, 2015. Collection method: clinical testing. Allele origin: germline.
Comment: PP4, PP5, PS4, PM2_SUP, PP1

Juno Genomics, Hangzhou Juno Genomics, Inc
Classification: Pathogenic for Exostoses, multiple, type 1. Review status: criteria provided, single submitter. Criteria: ACMG Guidelines, 2015. Collection method: clinical testing. Allele origin: germline. Affected: yes.
Comment: Absent from controls (or at extremely low frequency if recessive) in Genome Aggregation Database.;Multiple lines of computational evidence support a deleterious effect on the gene or gene product.;Novel missense change at an amino acid residue where a different missense change determined to be pathogenic has been seen before.;The prevalence of the variant in affected individuals is significantly increased compared to the prevalence in controls.;Assumed de novo, but without confirmation of paternity and maternity.;Co-segregation with disease in multiple affected family members.

Neuberg Centre For Genomic Medicine, NCGM
Classification: Pathogenic for Exostoses, multiple, type 1. Review status: criteria provided, single submitter. Criteria: ACMG Guidelines, 2015. Collection method: clinical testing. Allele origin: germline. Inheritance: Autosomal dominant inheritance. Affected: yes.
Comment: This variant has also been observed to segregate with disease in related individuals. Another missense variant [c.1018C>G | p.Arg340Gly; c.1018C>T | p.Arg340Cys; c.1019G>T | p.Arg340Leu] on the same residue of this gene has previously been reported to be disease causing (Gnoli M, et al., 2024; Sfar S, et al., 2009), suggesting that this residue might be of clinical significance

OMIM
Classification: Pathogenic for EXOSTOSES, MULTIPLE, TYPE I. Last evaluated: 2020-11-06. Review status: no assertion criteria provided. Collection method: literature only. Allele origin: germline. Not counted in ClinVar's aggregate classification.

Beijing Key Laboratory for Genetic Research of Skeletal Deformity, Peking Union Medical College Hospital
Classification: Pathogenic for Exostoses, multiple, type 1. Last evaluated: 2019-05-31. Review status: no assertion criteria provided. Collection method: research. Allele origin: paternal. Affected: yes. Not counted in ClinVar's aggregate classification.

Literature cited by the submitters: PubMed 9521425 (cited by 3 submitters); PubMed 10713884 (cited by Labcorp Genetics (formerly Invitae), Labcorp and Ambry Genetics); PubMed 19810120 (cited by 3 submitters); PubMed 23439489 (cited by Labcorp Genetics (formerly Invitae), Labcorp and Ambry Genetics); PubMed 24532482 (cited by Labcorp Genetics (formerly Invitae), Labcorp and Ambry Genetics); PubMed 25468659 (cited by 3 submitters); PubMed 26239617 (cited by 3 submitters); PubMed 26961984 (cited by Labcorp Genetics (formerly Invitae), Labcorp and Ambry Genetics); PubMed 11391482 (cited by 3 submitters); PubMed 17589361 (cited by Ambry Genetics); PubMed 29126381 (cited by Ambry Genetics); PubMed 30334991 (cited by Ambry Genetics); PubMed 30806661 (cited by 3 submitters); PubMed 33414810 (cited by Ambry Genetics); PubMed 33552269 (cited by Ambry Genetics); PubMed 34006472 (cited by Ambry Genetics); PubMed 37317574 (cited by Ambry Genetics).